The following is an entry in ClinVar:

NM_000363.5(TNNI3):c.109-17C>A

Gene: TNNI3 (troponin I3, cardiac type; minus strand). Cytogenetic location: 19q13.42.
Variant type: single nucleotide variant.
Coding change: c.109-17C>A on transcript NM_000363.5 (MANE Select); 17 bases into the intron before coding-DNA position 109, C replaced by A.
Molecular consequence: intron variant.
Genome position (GRCh38, 1-based): chr19:55,156,661, G>T on the plus strand (C>A on the coding strand, the complement: TNNI3 is on the minus strand). VCF-style: chr19-55156661-G-T. GRCh37 (hg19) VCF-style: chr19-55668029-G-T.
Identifiers: ClinVar variation 137684 (VCV000137684.26), dbSNP rs139150276, ClinGen allele CA021245.

ClinVar aggregate classification (germline): Benign/Likely benign. Review status: criteria provided, multiple submitters, no conflicts (2 of 4 stars). 13 submissions from 13 submitters: Benign (7); Likely benign (1). 5 of the submissions do not count toward it. Last evaluated 2026-02-03.

Conditions:
Cardiomyopathy, familial restrictive, 1. Identifiers: Orphanet 75249, MedGen C1861861, MONDO:0007270, OMIM 115210.
Dilated cardiomyopathy 2A (CMD2A). Also called: CARDIOMYOPATHY, CONGESTIVE, AUTOSOMAL RECESSIVE; CARDIOMYOPATHY, DILATED, AUTOSOMAL RECESSIVE. Identifiers: Orphanet 154, MedGen C2678474, MONDO:0012746, OMIM 611880.
Hypertrophic cardiomyopathy 7. Also called: CARDIOMYOPATHY, FAMILIAL HYPERTROPHIC, 7, MODIFIER OF; TNNI3-Related Familial Hypertrophic Cardiomyopathy; Familial hypertrophic cardiomyopathy 7. Identifiers: MedGen C1860752, MONDO:0013369, OMIM 613690.
Dilated cardiomyopathy 1FF (CMD1FF). Identifiers: Orphanet 154, MedGen C2750091, MONDO:0013211, OMIM 613286.
Hypertrophic cardiomyopathy. Also called: HYPERTROPHIC MYOCARDIOPATHY. Identifiers: Orphanet 217569, MedGen C0007194, MeSH D002312, MONDO:0005045, HP:0001639.

Allele frequency attached by ClinVar (database versions not stated): gnomAD 0.00147 and 0.00170; ExAC 0.00348; TOPMed 0.00387; 1000 Genomes Project 0.00459; 1000 Genomes Project 30x 0.00484.
gnomAD v4.1: 1,590 of 1,561,470 alleles (0.1%); highest among the groups gnomAD compares: East Asian, 2.7%; 33 homozygotes.

Submissions (13):

Labcorp Genetics (formerly Invitae), Labcorp
Classification: Benign for Hypertrophic cardiomyopathy. Last evaluated: 2026-02-03. Review status: criteria provided, single submitter. Criteria: Invitae Variant Classification Sherloc (09022015). Collection method: clinical testing. Allele origin: germline.

ARUP Laboratories, Molecular Genetics and Genomics, ARUP Laboratories
Classification: Benign. Last evaluated: 2025-06-05. Review status: criteria provided, single submitter. Criteria: ARUP Molecular Germline Variant Investigation Process 2024. Collection method: clinical testing. Allele origin: germline.

Molecular Diagnostic Laboratory for Inherited Cardiovascular Disease, Montreal Heart Institute
Classification: Benign. Last evaluated: 2025-04-09. Review status: criteria provided, single submitter. Criteria: ACMG Guidelines, 2015. Collection method: clinical testing. Allele origin: germline. Affected: no.

Blueprint Genetics
Classification: Likely benign. Last evaluated: 2024-11-27. Review status: criteria provided, single submitter. Criteria: ACMG Guidelines, 2015. Collection method: clinical testing. Allele origin: germline.

Fulgent Genetics
Classification: Benign for Cardiomyopathy, familial restrictive, 1; Dilated cardiomyopathy 2A; Dilated cardiomyopathy 1FF; Hypertrophic cardiomyopathy 7. Last evaluated: 2021-07-26. Review status: criteria provided, single submitter. Criteria: ACMG Guidelines, 2015. Collection method: clinical testing. Allele origin: unknown.

Women's Health and Genetics/Laboratory Corporation of America, LabCorp
Classification: Benign. Last evaluated: 2019-11-04. Review status: criteria provided, single submitter. Criteria: LabCorp Variant Classification Summary - May 2015. Collection method: clinical testing. Allele origin: germline.
Comment: Variant summary: TNNI3 c.109-17C>A alters a non-conserved nucleotide located close to a canonical splice site and therefore could affect mRNA splicing, leading to a significantly altered protein sequence. 5/5 computational tools predict no significant impact on normal splicing. However, these predictions have yet to be confirmed by functional studies. The variant allele was found at a frequency of 0.004 in 170270 control chromosomes, predominantly at a frequency of 0.051 within the East Asian subpopulation in the gnomAD database, including 20 homozygotes. The observed variant frequency within East Asian control individuals in the gnomAD database is approximately 408 fold of the estimated maximal expected allele frequency for a pathogenic variant in TNNI3 causing Hypertrophic Cardiomyopathy phenotype (0.00013), strongly suggesting that the variant is a benign polymorphism found primarily in populations of East Asian origin. c.109-17C>A has been reported in the literature in individuals affected with Hypertrophic Cardiomyopathy (Kimura_1997). The report does not provide unequivocal conclusions about association of the variant with Hypertrophic Cardiomyopathy. To our knowledge, no experimental evidence demonstrating an impact on protein function has been reported. No clinical diagnostic laboratories have submitted clinical-significance assessments for this variant to ClinVar after 2014. Based on the evidence outlined above, the variant was classified as benign.

GeneDx
Classification: Benign. Last evaluated: 2012-04-16. Review status: criteria provided, single submitter. Criteria: GeneDx Variant Classification (06012015). Collection method: clinical testing. Allele origin: germline. Affected: yes.
Comment: This variant is considered likely benign or benign based on one or more of the following criteria: it is a conservative change, it occurs at a poorly conserved position in the protein, it is predicted to be benign by multiple in silico algorithms, and/or has population frequency not consistent with disease.

Breakthrough Genomics
Classification: Benign. Review status: criteria provided, single submitter. Criteria: ACMG Guidelines, 2015. Collection method: not provided. Allele origin: germline. Inheritance: Autosomal recessive inheritance. Affected: yes.

Clinical Genetics DNA and cytogenetics Diagnostics Lab, Erasmus MC, Erasmus Medical Center
Classification: Benign. Review status: no assertion criteria provided. Collection method: clinical testing. Allele origin: germline. Affected: yes. Study: VKGL Data-share Consensus. Not counted in ClinVar's aggregate classification.

Clinical Genetics, Academic Medical Center
Classification: Benign. Review status: no assertion criteria provided. Collection method: clinical testing. Allele origin: germline. Affected: yes. Study: VKGL Data-share Consensus. Not counted in ClinVar's aggregate classification.

Diagnostic Laboratory, Department of Genetics, University Medical Center Groningen
Classification: Likely benign. Review status: no assertion criteria provided. Collection method: clinical testing. Allele origin: germline. Affected: yes. Study: VKGL Data-share Consensus. Not counted in ClinVar's aggregate classification.

Genome Diagnostics Laboratory, University Medical Center Utrecht
Classification: Benign. Review status: no assertion criteria provided. Collection method: clinical testing. Allele origin: germline. Affected: yes. Study: VKGL Data-share Consensus. Not counted in ClinVar's aggregate classification.

Joint Genome Diagnostic Labs from Nijmegen and Maastricht, Radboudumc and MUMC+
Classification: Benign. Review status: no assertion criteria provided. Collection method: clinical testing. Allele origin: germline. Affected: yes. Study: VKGL Data-share Consensus. Not counted in ClinVar's aggregate classification.

Literature cited by the submitters: PubMed 9241277 (cited by Women's Health and Genetics/Laboratory Corporation of America, LabCorp).